The following is an entry in ClinVar:

ClinVar aggregate classification (germline): Benign. Review status: criteria provided, multiple submitters, no conflicts (2 of 4 stars). 4 submissions from 4 submitters: Benign (4). Last evaluated 2026-02-04.

Conditions:
DOCK2 deficiency. Also called: Immunodeficiency 40. Identifiers: Orphanet 447737, MedGen C4225328, MONDO:0014637, OMIM 616433.

Allele frequency attached by ClinVar (database versions not stated): TOPMed 0.23069; ESP Exome Variant Server 0.22074; gnomAD 0.23497 and 0.23954; 1000 Genomes Project 30x 0.23610; 1000 Genomes Project 0.24301; ExAC 0.29190; gnomAD exomes 0.29291.
gnomAD v4.1: 464,239 of 1,613,724 alleles (29%); highest among the groups gnomAD compares: East Asian, 37%; 69,781 homozygotes.

Submissions (4):

Labcorp Genetics (formerly Invitae), Labcorp
Classification: Benign for DOCK2 deficiency. Last evaluated: 2026-02-04. Review status: criteria provided, single submitter. Criteria: Invitae Variant Classification Sherloc (09022015). Collection method: clinical testing. Allele origin: germline.

Women's Health and Genetics/Laboratory Corporation of America, LabCorp
Classification: Benign. Last evaluated: 2026-01-21. Review status: criteria provided, single submitter. Criteria: LabCorp Variant Classification Summary - May 2015. Collection method: clinical testing. Allele origin: germline.

Unidad de Genómica Garrahan, Hospital de Pediatría Garrahan
Classification: Benign. Last evaluated: 2024-01-24. Review status: criteria provided, single submitter. Criteria: ACMG Guidelines, 2015. Collection method: clinical testing. Allele origin: germline. Affected: no. Observed: 54 variant alleles.
Comment: This variant is classified as Benign based on local population frequency. This variant was detected in 57% of patients studied by a panel of primary immunodeficiencies. Number of patients: 54. Only high quality variants are reported.

Mayo Clinic Laboratories, Mayo Clinic
Classification: Benign. Last evaluated: 2022-09-06. Review status: criteria provided, single submitter. Criteria: ACMG Guidelines, 2015. Collection method: clinical testing. Allele origin: germline. Observed: 9 variant alleles.

NM_004946.3(DOCK2):c.3195A>C (p.Leu1065=)

Gene: DOCK2 (dedicator of cytokinesis 2; plus strand). Cytogenetic location: 5q35.1.
Variant type: single nucleotide variant.
Coding change: c.3195A>C on transcript NM_004946.3 (MANE Select); coding-DNA position 3195, A replaced by C.
Protein change: p.Leu1065=; no amino-acid change (leucine 1065 retained).
Molecular consequence: synonymous variant. On other transcripts: non-coding transcript variant (1).
Genome position (GRCh38, 1-based): chr5:170,008,709, A>C. VCF-style: chr5-170008709-A-C. GRCh37 (hg19) VCF-style: chr5-169435713-A-C.
Other names: p.Leu1065=.
Identifiers: ClinVar variation 1169059 (VCV001169059.14), dbSNP rs2287727, ClinGen allele CA3554139.